The following is an entry in ClinVar:

ClinVar aggregate classification (germline): Benign/Likely benign. Review status: criteria provided, multiple submitters, no conflicts (2 of 4 stars). 6 submissions from 6 submitters: Benign (4); Likely benign (2). Last evaluated 2025-12-30.

Conditions:
Hereditary spastic paraplegia. Also called: Familial spastic paraparesis. Identifiers: Orphanet 685, MedGen C0037773, MONDO:0019064. Disease mechanism: loss of function.
Spastic paraplegia. Identifiers: MedGen C0037772, HP:0001258.

Allele frequency attached by ClinVar (database versions not stated): gnomAD exomes 0.00167; ExAC 0.00201; ESP Exome Variant Server 0.00646; gnomAD 0.00655 and 0.00699; 1000 Genomes Project 0.00679; 1000 Genomes Project 30x 0.00796; TOPMed 0.00796.

Submissions (6):

Labcorp Genetics (formerly Invitae), Labcorp
Classification: Benign for Spastic paraplegia. Last evaluated: 2025-12-30. Review status: criteria provided, single submitter. Criteria: Invitae Variant Classification Sherloc (09022015). Collection method: clinical testing. Allele origin: germline.

Athena Diagnostics
Classification: Benign. Last evaluated: 2025-03-28. Review status: criteria provided, single submitter. Criteria: Athena Diagnostics Criteria. Collection method: clinical testing. Allele origin: unknown.
Comment: The frequency of this variant in the general population is higher than would generally be expected for pathogenic variants in this gene.

Mayo Clinic Laboratories, Mayo Clinic
Classification: Benign. Last evaluated: 2021-01-05. Review status: criteria provided, single submitter. Criteria: ACMG Guidelines, 2015. Collection method: clinical testing. Allele origin: germline. Observed: 3 variant alleles.

Genome Diagnostics Laboratory, The Hospital for Sick Children
Classification: Likely benign for Hereditary spastic paraplegia. Last evaluated: 2017-06-23. Review status: criteria provided, single submitter. Criteria: ACMG Guidelines, 2015. Collection method: clinical testing. Allele origin: germline. Affected: yes.

GeneDx
Classification: Benign. Last evaluated: 2017-01-15. Review status: criteria provided, single submitter. Criteria: GeneDx Variant Classification (06012015). Collection method: clinical testing. Allele origin: germline. Affected: yes.
Comment: This variant is considered likely benign or benign based on one or more of the following criteria: it is a conservative change, it occurs at a poorly conserved position in the protein, it is predicted to be benign by multiple in silico algorithms, and/or has population frequency not consistent with disease.

Breakthrough Genomics
Classification: Likely benign. Review status: criteria provided, single submitter. Criteria: ACMG Guidelines, 2015. Collection method: not provided. Allele origin: germline. Inheritance: Autosomal dominant inheritance. Affected: yes.

NM_005619.5(RTN2):c.792C>A (p.Phe264Leu)

Genes: OPA3-RTN2 (OPA3-RTN2 readthrough; minus strand), RTN2 (reticulon 2; minus strand). Cytogenetic location: 19q13.32.
Variant type: single nucleotide variant.
Coding change: c.792C>A on transcript NM_005619.5 (MANE Select); coding-DNA position 792, C replaced by A.
Protein change: p.Phe264Leu; replaces phenylalanine 264 with leucine.
Molecular consequence: missense variant.
Genome position (GRCh38, 1-based): chr19:45,494,188, G>T on the plus strand (C>A on the coding strand, the complement: RTN2 is on the minus strand). VCF-style: chr19-45494188-G-T. GRCh37 (hg19) VCF-style: chr19-45997446-G-T.
Other names: c.792C>A, p.Phe264Leu (NM_206900.3); short protein forms F264L.
Identifiers: ClinVar variation 380937 (VCV000380937.18), dbSNP rs61745812, ClinGen allele CA9516184.